The following is an entry in ClinVar:

ClinVar aggregate classification (germline): Uncertain significance (1 of 4 stars; one submission).

Conditions:
Dilated cardiomyopathy 1G (CMD1G). Identifiers: Orphanet 154, MedGen C1858763, MONDO:0011400, OMIM 604145.
Autosomal recessive limb-girdle muscular dystrophy type 2J (LGMDR10). Also called: Limb-girdle muscular dystrophy, type 2J; MUSCULAR DYSTROPHY, LIMB-GIRDLE, AUTOSOMAL RECESSIVE 10. Identifiers: Orphanet 140922, MedGen C1837342, MONDO:0012127, OMIM 608807.

Allele frequency attached by ClinVar (database versions not stated): gnomAD 0.00001 and 0.00002; gnomAD exomes 0.00001; TOPMed 0.00004.
gnomAD v4.1: 6 of 1,593,648 alleles (0.00038%); highest among the groups gnomAD compares: Admixed American, 0.007%; no homozygotes.

Submission:

Labcorp Genetics (formerly Invitae), Labcorp
Classification: Uncertain significance for Dilated cardiomyopathy 1G; Autosomal recessive limb-girdle muscular dystrophy type 2J. Last evaluated: 2024-08-08. Review status: criteria provided, single submitter. Criteria: Invitae Variant Classification Sherloc (09022015). Collection method: clinical testing. Allele origin: germline.
Comment: This sequence change replaces lysine, which is basic and polar, with glutamic acid, which is acidic and polar, at codon 35898 of the TTN protein (p.Lys35898Glu). This variant is present in population databases (no rsID available, gnomAD 0.007%). This variant has not been reported in the literature in individuals affected with TTN-related conditions. ClinVar contains an entry for this variant (Variation ID: 1484715). Experimental studies and prediction algorithms are not available or were not evaluated, and the functional significance of this variant is currently unknown. This variant is located in the M band of TTN (PMID: 25589632). Non-truncating variants in this region may be relevant for neuromuscular disorders, but have not been definitively shown to cause cardiomyopathy (PMID: 23975875). In summary, the available evidence is currently insufficient to determine the role of this variant in disease. Therefore, it has been classified as a Variant of Uncertain Significance.

Literature cited by the submitters: PubMed 25589632; PubMed 23975875.

NM_001267550.2(TTN):c.107692A>G (p.Lys35898Glu)

Genes: TTN (titin; minus strand), TTN-AS1 (TTN antisense RNA 1; plus strand). Cytogenetic location: 2q31.2.
Variant type: single nucleotide variant.
Coding change: c.107692A>G on transcript NM_001267550.2 (MANE Select); coding-DNA position 107692, A replaced by G.
Protein change: p.Lys35898Glu; replaces lysine 35898 with glutamic acid.
Molecular consequence: missense variant.
Genome position (GRCh38, 1-based): chr2:178,527,296, T>C on the plus strand (A>G on the coding strand, the complement: TTN is on the minus strand). VCF-style: chr2-178527296-T-C. GRCh37 (hg19) VCF-style: chr2-179392023-T-C.
Other names: c.102769A>G, p.Lys34257Glu (NM_001256850.1); c.80497A>G, p.Lys26833Glu (NM_003319.4); c.99988A>G, p.Lys33330Glu (NM_133378.4); c.80872A>G, p.Lys26958Glu (NM_133432.3); c.81073A>G, p.Lys27025Glu (NM_133437.4); short protein forms K26958E, K34257E, K26833E, K33330E, K27025E, K35898E.
Identifiers: ClinVar variation 1484715 (VCV001484715.8), dbSNP rs1028436080, ClinGen allele CA60948981.